The following is an entry in ClinVar:

NM_000492.4(CFTR):c.3197G>A (p.Arg1066His)

Genes: CFTR (CF transmembrane conductance regulator; plus strand), CFTR-AS2 (CFTR antisense RNA 2; minus strand), LOC111674472 (DNase I hypersensitive sites in introns 16 and 17a of CFTR; plus strand). Cytogenetic location: 7q31.2.
Variant type: single nucleotide variant.
Coding change: c.3197G>A on transcript NM_000492.4 (MANE Select); coding-DNA position 3197, G replaced by A.
Protein change: p.Arg1066His; replaces arginine 1066 with histidine.
Molecular consequence: missense variant.
Genome position (GRCh38, 1-based): chr7:117,611,638, G>A. VCF-style: chr7-117611638-G-A. GRCh37 (hg19) VCF-style: chr7-117251692-G-A.
Other names: short protein forms R1066H.
Identifiers: ClinVar variation 7158 (VCV000007158.71), dbSNP rs121909019, ClinGen allele CA325555.

ClinVar aggregate classification (germline): Pathogenic. Review status: reviewed by expert panel (3 of 4 stars). 18 submissions from 17 submitters: Pathogenic (1). 17 of the submissions do not count toward it. Last evaluated 2017-03-17.

Conditions:
CFTR-related disorder (CFTR-RD). Also called: CFTR-related condition; CFTR-related disorders. Identifiers: MedGen C5924204, MONDO:7770004.
Cystic fibrosis (CF). Also called: MUCOVISCIDOSIS. Identifiers: Orphanet 586, MedGen C0010674, MONDO:0009061, OMIM 219700. Disease mechanism: loss of function.
Congenital bilateral aplasia of vas deferens from CFTR mutation (CBAVD). Identifiers: Orphanet 48, MedGen C0403814, MONDO:0010178, OMIM 277180. Disease mechanism: loss of function.
Hereditary pancreatitis (PCTT). Also called: PRSS1-Related Hereditary Pancreatitis; Hereditary chronic pancreatitis. Identifiers: Orphanet 676, MedGen C0238339, MONDO:0008185, OMIM 167800.
Bronchiectasis with or without elevated sweat chloride 1 (BESC1). Also called: Cystic Fibrosis-Like Syndrome. Identifiers: Orphanet 60033, MedGen C2749757, MONDO:0008887, OMIM 211400.

Allele frequency attached by ClinVar (database versions not stated): gnomAD 0.00001; TOPMed 0.00002; gnomAD exomes 0.00003 and 0.00004; ExAC 0.00006.
gnomAD v4.1: 62 of 1,613,334 alleles (0.0038%); highest among the groups gnomAD compares: Non-Finnish European, 0.005%; no homozygotes.

Submissions (18):

CFTR2
Classification: Pathogenic for Cystic fibrosis. Last evaluated: 2017-03-17. Review status: reviewed by expert panel. Criteria: Sosnay PR et al. (Nat Genet 2013). Collection method: research. Allele origin: germline. Affected: yes. Study: CFTR2.

PreventionGenetics, part of Exact Sciences
Classification: Pathogenic for CFTR-related condition. Last evaluated: 2026-05-11. Review status: criteria provided, single submitter. Criteria: ACMG Guidelines, 2015. Collection method: clinical testing. Allele origin: germline. Not counted in ClinVar's aggregate classification.
Comment: The CFTR c.3197G>A variant is predicted to result in the amino acid substitution p.Arg1066His. This variant has been reported to be causative for cystic fibrosis (see for example, Ferec et al. 1992. PubMed ID: 1284639; supplementary table 2, Sosnay et al. 2013. PubMed ID: 23974870; Van Goor et al. 2014. PubMed ID: 23891399; e-Table 1, Shen et al. 2022. PubMed ID: 35858753). This variant is reported in 0.0080% of alleles in individuals of African descent in gnomAD. This variant is interpreted as pathogenic.

Labcorp Genetics (formerly Invitae), Labcorp
Classification: Pathogenic for Cystic fibrosis. Last evaluated: 2025-12-16. Review status: criteria provided, single submitter. Criteria: Invitae Variant Classification Sherloc (09022015). Collection method: clinical testing. Allele origin: germline. Not counted in ClinVar's aggregate classification.
Comment: This sequence change replaces arginine, which is basic and polar, with histidine, which is basic and polar, at codon 1066 of the CFTR protein (p.Arg1066His). This variant is present in population databases (rs121909019, gnomAD 0.008%). This missense change has been observed in individual(s) with clinical features of CFTR-related conditions (PMID: 1284639, 7529962). In at least one individual the data is consistent with being in trans (on the opposite chromosome) from a pathogenic variant. ClinVar contains an entry for this variant (Variation ID: 7158). Invitae Evidence Modeling of protein sequence and biophysical properties (such as structural, functional, and spatial information, amino acid conservation, physicochemical variation, residue mobility, and thermodynamic stability) indicates that this missense variant is expected to disrupt CFTR protein function with a positive predictive value of 80%. Experimental studies have shown that this missense change affects CFTR function (PMID: 8662892, 8702904, 23891399, 23974870). This variant disrupts the p.Arg1066 amino acid residue in CFTR. Other variant(s) that disrupt this residue have been determined to be pathogenic (PMID: 10923036, 11883825, 15084222, 17331079, 21520337, 23302613, 23974870). This suggests that this residue is clinically significant, and that variants that disrupt this residue are likely to be disease-causing. For these reasons, this variant has been classified as Pathogenic.

Natera, Inc.
Classification: Pathogenic for CFTR-related disorders. Last evaluated: 2025-11-19. Review status: criteria provided, single submitter. Criteria: Natera Variant Classification Schema (03/2026). Collection method: clinical testing. Allele origin: germline. Not counted in ClinVar's aggregate classification.
Comment: The c.3197G>A variant in CFTR is a missense variant predicted to cause substitution of arginine to histidine at amino acid 1066. This variant is rare in the general population with a frequency below the threshold expected for the associated phenotype(s). This variant has been observed in one or more individuals affected with the associated recessive disease, as either homozygous or compound heterozygous with a second variant (PMID: 25583415, 25910067). Computational prediction algorithms indicate this variant is likely to affect gene or protein function. Given the available evidence, this variant is classified as Pathogenic.

Genesolutions, Medical Genetics Institutes, Ho Chi Minh City, Vietnam
Classification: Pathogenic for Cystic fibrosis. Last evaluated: 2025-09-24. Review status: criteria provided, single submitter. Criteria: ACMG Guidelines, 2015. Collection method: clinical testing. Allele origin: germline. Affected: yes. Not counted in ClinVar's aggregate classification.

Blueprint Genetics
Classification: Pathogenic for CFTR-related disorders. Last evaluated: 2024-08-28. Review status: criteria provided, single submitter. Criteria: ACMG Guidelines, 2015. Collection method: clinical testing. Allele origin: germline. Affected: yes. Observed: 4 variant alleles. Not counted in ClinVar's aggregate classification.

Fulgent Genetics
Classification: Pathogenic for Hereditary pancreatitis; Bronchiectasis with or without elevated sweat chloride 1; Cystic fibrosis; Congenital bilateral aplasia of vas deferens from CFTR mutation. Last evaluated: 2024-05-29. Review status: criteria provided, single submitter. Criteria: ACMG Guidelines, 2015. Collection method: clinical testing. Allele origin: germline. Not counted in ClinVar's aggregate classification.

Baylor Genetics
Classification: Pathogenic for Bronchiectasis with or without elevated sweat chloride 1. Last evaluated: 2024-02-03. Review status: criteria provided, single submitter. Criteria: ACMG Guidelines, 2015. Collection method: clinical testing. Allele origin: unknown. Not counted in ClinVar's aggregate classification.

Ambry Genetics
Classification: Pathogenic for Cystic fibrosis. Last evaluated: 2021-09-03. Review status: criteria provided, single submitter. Criteria: Ambry Variant Classification Scheme 2023. Collection method: clinical testing. Allele origin: germline. Not counted in ClinVar's aggregate classification.
Comment: The p.R1066H pathogenic mutation (also known as c.3197G>A), located in coding exon 20 of the CFTR gene, results from a G to A substitution at nucleotide position 3197. The arginine at codon 1066 is replaced by histidine, an amino acid with highly similar properties. This mutation was first described in a child with an elevated sweat chloride level and pancreatic insufficiency, in conjunction with a frameshift alteration (Ferec C et al. Nat Genet. 1992;1(3):188-91). This mutation is typically associated with elevated sweat chloride levels and pancreatic sufficiency (Sosnay PR et al. Nat Genet. 2013;45(10):1160-1167). Although this mutation was found to have channel gating properties similar to wild type, it has been observed to result in misprocessing and inhibited maturation of the protein in in vitro studies (Seibert FS et al. J Biol Chem. 1996;271(25):15139-45; Cotten JF et al. J. Biol. Chem. 1996 Aug;271(35):21279-84). Based on the supporting evidence, this alteration is interpreted as a disease-causing mutation.

Johns Hopkins Genomics, Johns Hopkins University
Classification: Pathogenic for Cystic fibrosis. Last evaluated: 2020-06-17. Review status: criteria provided, single submitter. Criteria: ACMG Guidelines, 2015. Collection method: clinical testing. Allele origin: germline. Not counted in ClinVar's aggregate classification.
Comment: Disease-causing CFTR variant. See CFTR2 for phenotype information.

Mendelics
Classification: Pathogenic for Cystic fibrosis. Last evaluated: 2018-11-05. Review status: criteria provided, single submitter. Criteria: Mendelics Assertion Criteria 2017. Collection method: clinical testing. Allele origin: unknown. Affected: yes. Not counted in ClinVar's aggregate classification.

CFTR-France
Classification: Pathogenic for cystic fibrosis. Last evaluated: 2018-01-29. Review status: criteria provided, single submitter. Criteria: Claustres M et al. (Hum Mutat 2017). Collection method: curation. Allele origin: germline. Affected: yes. Not counted in ClinVar's aggregate classification.

Women's Health and Genetics/Laboratory Corporation of America, LabCorp
Classification: Pathogenic. Last evaluated: 2017-11-20. Review status: criteria provided, single submitter. Criteria: LabCorp Variant Classification Summary - May 2015. Collection method: clinical testing. Allele origin: germline. Not counted in ClinVar's aggregate classification.
Comment: Variant summary: The CFTR c.3197G>A (p.Arg1066His) variant involves the alteration of a conserved nucleotide, is predicted to be damaging by 5/5 in silico tools and is located in ABC transporter type 1 domain of the protein (InterPro). This variant was found in 9/276618 control chromosomes (gnomAD) at a frequency of 0.0000325, which does not exceed the estimated maximal expected allele frequency of a pathogenic CFTR variant (0.0129603). This variant has been reported in many CF patients in literature and clinical databases. Functional studies showed this variant causes severe CFTR maturation defect as well as chloride transport defect (Sosnay_2013, Van Goor_2013). Multiple clinical laboratories/reputable databases have classified this variant as pathogenic. In addition, this codon is a known hot spot for mutations (R1066L, R1066P, R1066S and R1066C) which are found in patients with CF and CF-related phenotypes. Taken together, this variant was classified as pathogenic.

Eurofins Ntd Llc (ga)
Classification: Pathogenic. Last evaluated: 2017-06-01. Review status: criteria provided, single submitter. Criteria: EGL Classification Definitions 2015. Collection method: clinical testing. Allele origin: germline. Observed: 2 variant alleles, 2 heterozygotes. Not counted in ClinVar's aggregate classification.

ARUP Laboratories, Molecular Genetics and Genomics, ARUP Laboratories
Classification: Pathogenic. Last evaluated: 2017-04-14. Review status: criteria provided, single submitter. Criteria: ARUP Molecular Germline Variant Investigation Process. Collection method: clinical testing. Allele origin: germline. Not counted in ClinVar's aggregate classification.

Baylor Genetics
Classification: Pathogenic for Congenital bilateral aplasia of vas deferens from CFTR mutation; Cystic fibrosis. Review status: criteria provided, single submitter. Criteria: ACMG Guidelines, 2015. Collection method: clinical testing. Allele origin: germline. Not counted in ClinVar's aggregate classification.

Counsyl
Classification: Pathogenic for Cystic fibrosis. Last evaluated: 2018-10-05. Review status: no assertion criteria provided. Collection method: clinical testing. Allele origin: unknown. Not counted in ClinVar's aggregate classification.

OMIM
Classification: Pathogenic for CYSTIC FIBROSIS. Last evaluated: 1992-06-01. Review status: no assertion criteria provided. Collection method: literature only. Allele origin: germline. Not counted in ClinVar's aggregate classification.

Literature cited by the submitters: PubMed 1284639 (cited by 4 submitters); PubMed 7529962 (cited by Labcorp Genetics (formerly Invitae), Labcorp); PubMed 8662892 (cited by Labcorp Genetics (formerly Invitae), Labcorp and Ambry Genetics); PubMed 8702904 (cited by Labcorp Genetics (formerly Invitae), Labcorp and Ambry Genetics); PubMed 23891399 (cited by Labcorp Genetics (formerly Invitae), Labcorp and Women's Health and Genetics/Laboratory Corporation of America, LabCorp); PubMed 23974870 (cited by 3 submitters); PubMed 10923036 (cited by Labcorp Genetics (formerly Invitae), Labcorp); PubMed 11883825 (cited by Labcorp Genetics (formerly Invitae), Labcorp); PubMed 15084222 (cited by Labcorp Genetics (formerly Invitae), Labcorp); PubMed 17331079 (cited by Labcorp Genetics (formerly Invitae), Labcorp); PubMed 21520337 (cited by Labcorp Genetics (formerly Invitae), Labcorp); PubMed 23302613 (cited by Labcorp Genetics (formerly Invitae), Labcorp); PubMed 25583415 (cited by Natera, Inc.); PubMed 25910067 (cited by Natera, Inc.); PubMed 23670503 (cited by Ambry Genetics).